The following is an entry in ClinVar:

NM_005236.3(ERCC4):c.1284G>A (p.Ala428=)

Gene: ERCC4 (ERCC excision repair 4, endonuclease catalytic subunit; plus strand). Cytogenetic location: 16p13.12.
Variant type: single nucleotide variant.
Coding change: c.1284G>A on transcript NM_005236.3 (MANE Select); coding-DNA position 1284, G replaced by A.
Protein change: p.Ala428=; no amino-acid change (alanine 428 retained).
Molecular consequence: synonymous variant.
Genome position (GRCh38, 1-based): chr16:13,935,216, G>A. VCF-style: chr16-13935216-G-A. GRCh37 (hg19) VCF-style: chr16-14029073-G-A.
Identifiers: ClinVar variation 317811 (VCV000317811.42), dbSNP rs3136151, ClinGen allele CA7910435.

ClinVar aggregate classification (germline): Conflicting classifications of pathogenicity. Review status: criteria provided, conflicting classifications (1 of 4 stars). 5 submissions from 5 submitters: Uncertain significance (1); Likely benign (4). Last evaluated 2026-01-31.

Conditions:
Xeroderma pigmentosum, group F (XPF). Also called: XERODERMA PIGMENTOSUM, TYPE F; Xeroderma pigmentosum, type 6; XERODERMA PIGMENTOSUM, COMPLEMENTATION GROUP F; XERODERMA PIGMENTOSUM VI; XP, GROUP F; ERCC4-Related Xeroderma Pigmentosum. Identifiers: MedGen C0268140, MONDO:0010215, OMIM 278760.
Fanconi anemia complementation group Q. Identifiers: Orphanet 84, MedGen C3808988, MONDO:0014108, OMIM 615272.
Cockayne syndrome. Identifiers: Orphanet 191, MedGen C0009207, MONDO:0016006.

Allele frequency attached by ClinVar (database versions not stated): gnomAD exomes 0.00002 and 0.00010; ExAC 0.00007; gnomAD 0.00007; TOPMed 0.00012; ESP Exome Variant Server 0.00015; 1000 Genomes Project 30x 0.00016; 1000 Genomes Project 0.00020.
gnomAD v4.1: 104 of 1,614,044 alleles (0.0064%); highest among the groups gnomAD compares: East Asian, 0.029%; 1 homozygote.

Submissions (5):

Labcorp Genetics (formerly Invitae), Labcorp
Classification: Likely benign for Fanconi anemia complementation group Q; Xeroderma pigmentosum, group F; Cockayne syndrome. Last evaluated: 2026-01-31. Review status: criteria provided, single submitter. Criteria: Invitae Variant Classification Sherloc (09022015). Collection method: clinical testing. Allele origin: germline.

CeGaT Center for Human Genetics Tuebingen
Classification: Likely benign. Last evaluated: 2025-07-01. Review status: criteria provided, single submitter. Criteria: CeGaT Center For Human Genetics Tuebingen Variant Classification Criteria Version 2. Collection method: clinical testing. Allele origin: germline. Affected: yes. Observed: 2 variant alleles.
Comment: ERCC4: BP4, BP7

Blueprint Genetics
Classification: Likely benign. Last evaluated: 2024-10-21. Review status: criteria provided, single submitter. Criteria: ACMG Guidelines, 2015. Collection method: clinical testing. Allele origin: germline.

Genetic Services Laboratory, University of Chicago
Classification: Likely benign. Last evaluated: 2021-08-02. Review status: criteria provided, single submitter. Criteria: ACMG Guidelines, 2015. Collection method: clinical testing. Allele origin: germline. Affected: no.

Illumina Laboratory Services, Illumina
Classification: Uncertain significance for Xeroderma pigmentosum, group F. Last evaluated: 2018-01-13. Review status: criteria provided, single submitter. Criteria: ICSL Variant Classification Criteria 13 December 2019. Collection method: clinical testing. Allele origin: germline.